The following is an entry in ClinVar:

ClinVar aggregate classification (germline): Uncertain significance (1 of 4 stars; one submission).

Conditions:
Leber congenital amaurosis 3 (LCA3). Also called: SPATA7-Related Retinitis Pigmentosa. Identifiers: MedGen C1858677, MONDO:0011415, OMIM 604232.

Allele frequency attached by ClinVar (database versions not stated): ExAC 0.00001; gnomAD 0.00001; TOPMed 0.00001.
gnomAD v4.1: 5 of 1,608,586 alleles (0.00031%); highest among the groups gnomAD compares: Non-Finnish European, 0.00042%; no homozygotes.

Submission:

Labcorp Genetics (formerly Invitae), Labcorp
Classification: Uncertain significance for Leber congenital amaurosis 3. Last evaluated: 2022-04-05. Review status: criteria provided, single submitter. Criteria: Invitae Variant Classification Sherloc (09022015). Collection method: clinical testing. Allele origin: germline.
Comment: This variant has not been reported in the literature in individuals affected with SPATA7-related conditions. The frequency data for this variant in the population databases is considered unreliable, as metrics indicate poor data quality at this position in the gnomAD database. This sequence change replaces threonine, which is neutral and polar, with serine, which is neutral and polar, at codon 76 of the SPATA7 protein (p.Thr76Ser). Algorithms developed to predict the effect of missense changes on protein structure and function output the following: SIFT: "Tolerated"; PolyPhen-2: "Benign"; Align-GVGD: "Class C0". The serine amino acid residue is found in multiple mammalian species, which suggests that this missense change does not adversely affect protein function. In summary, the available evidence is currently insufficient to determine the role of this variant in disease. Therefore, it has been classified as a Variant of Uncertain Significance.

NM_018418.5(SPATA7):c.227C>G (p.Thr76Ser)

Gene: SPATA7 (spermatogenesis associated 7; plus strand). Cytogenetic location: 14q31.3.
Variant type: single nucleotide variant.
Coding change: c.227C>G on transcript NM_018418.5 (MANE Select); coding-DNA position 227, C replaced by G.
Protein change: p.Thr76Ser; replaces threonine 76 with serine.
Molecular consequence: missense variant.
Genome position (GRCh38, 1-based): chr14:88,396,192, C>G. VCF-style: chr14-88396192-C-G. GRCh37 (hg19) VCF-style: chr14-88862536-C-G.
Other names: c.131C>G, p.Thr44Ser (NM_001040428.4); short protein forms T44S, T76S.
Identifiers: ClinVar variation 1954332 (VCV001954332.5), dbSNP rs753995098, ClinGen allele CA7298429.